The following is an entry in ClinVar:

ClinVar aggregate classification (germline): Pathogenic. Review status: reviewed by expert panel (3 of 4 stars). 9 submissions from 9 submitters: Pathogenic (1). 8 of the submissions do not count toward it. Last evaluated 2020-07-31.

Conditions:
CFTR-related disorder (CFTR-RD). Also called: CFTR-related disorders; CFTR-related condition. Identifiers: MedGen C5924204, MONDO:7770004.
Bronchiectasis with or without elevated sweat chloride 1 (BESC1). Also called: Cystic Fibrosis-Like Syndrome. Identifiers: Orphanet 60033, MedGen C2749757, MONDO:0008887, OMIM 211400.
Cystic fibrosis (CF). Also called: MUCOVISCIDOSIS. Identifiers: Orphanet 586, MedGen C0010674, MONDO:0009061, OMIM 219700. Disease mechanism: loss of function.

Allele frequency attached by ClinVar (database versions not stated): gnomAD exomes below 0.00001.
gnomAD v4.1: 1 of 1,566,488 alleles (0.000064%); highest among the groups gnomAD compares: Non-Finnish European, 0.000088%; no homozygotes.

Submissions (9):

CFTR2
Classification: Pathogenic for Cystic fibrosis. Last evaluated: 2020-07-31. Review status: reviewed by expert panel. Criteria: Submitter's publication and website. Collection method: research. Allele origin: germline. Affected: yes.

Natera, Inc.
Classification: Pathogenic for CFTR-related disorders. Last evaluated: 2025-04-23. Review status: criteria provided, single submitter. Criteria: Natera Variant Classification Schema (03/2026). Collection method: clinical testing. Allele origin: germline. Not counted in ClinVar's aggregate classification.
Comment: The c.1135G>T variant in CFTR is a nonsense variant predicted to introduce a stop codon at amino acid 379. This variant is expected to result in nonsense mediated decay, truncation, or a dysfunctional protein product. This variant is rare in the general population with a frequency below the threshold expected for the associated phenotype(s). This variant has been observed in one or more individuals affected with the associated recessive disease, as either homozygous or compound heterozygous with a second variant (PMID: 25910067). Given the available evidence, this variant is classified as Pathogenic.

Ambry Genetics
Classification: Pathogenic for Cystic fibrosis. Last evaluated: 2025-01-03. Review status: criteria provided, single submitter. Criteria: Ambry Variant Classification Scheme 2023. Collection method: clinical testing. Allele origin: germline. Not counted in ClinVar's aggregate classification.
Comment: The p.E379* pathogenic mutation (also known as c.1135G>T), located in coding exon 9 of the CFTR gene, results from a G to T substitution at nucleotide position 1135. This changes the amino acid from a glutamic acid to a stop codon within coding exon 9. In addition to the clinical data presented in the literature, this alteration is expected to result in loss of function by premature protein truncation or nonsense-mediated mRNA decay. As such, this alteration is interpreted as a disease-causing mutation.

Women's Health and Genetics/Laboratory Corporation of America, LabCorp
Classification: Pathogenic for Cystic fibrosis. Last evaluated: 2024-08-22. Review status: criteria provided, single submitter. Criteria: LabCorp Variant Classification Summary - May 2015. Collection method: clinical testing. Allele origin: germline. Not counted in ClinVar's aggregate classification.
Comment: Variant summary: CFTR c.1135G>T (p.Glu379X) results in a premature termination codon, predicted to cause a truncation of the encoded protein or absence of the protein due to nonsense mediated decay, which are commonly known mechanisms for disease. The variant allele was found at a frequency of 4e-06 in 250582 control chromosomes. c.1135G>T has been reported in the literature in individuals affected with Cystic Fibrosis or pancreatic insufficiency without reported genotypes (e.g. Petrova_2019, Lucarelli_2015). To our knowledge, no experimental evidence demonstrating an impact on protein function has been reported. The following publications have been ascertained in the context of this evaluation (PMID: 31245908, 25910067). ClinVar contains an entry for this variant (Variation ID: 53200). Based on the evidence outlined above, the variant was classified as pathogenic.

Institute of Human Genetics, University of Leipzig Medical Center
Classification: Pathogenic for Cystic fibrosis. Last evaluated: 2022-09-05. Review status: criteria provided, single submitter. Criteria: ACMG Guidelines, 2015. Collection method: curation. Allele origin: unknown. Affected: yes. Observed: 6 variant alleles. Not counted in ClinVar's aggregate classification.
Comment: This variant was identified in 6 unrelated patients with a clinically confirmed diagnosis of cystic fibrosis. The variant was classified in the context of a project re-classifying variants in the German Cystic Fibrosis Registry (Muko.e.V.). Criteria applied: PVS1, PM2_SUP, PM3_STR, PP4

Baylor Genetics
Classification: Pathogenic for Bronchiectasis with or without elevated sweat chloride 1. Last evaluated: 2022-04-13. Review status: criteria provided, single submitter. Criteria: ACMG Guidelines, 2015. Collection method: clinical testing. Allele origin: unknown. Not counted in ClinVar's aggregate classification.

Labcorp Genetics (formerly Invitae), Labcorp
Classification: Pathogenic for Cystic fibrosis. Last evaluated: 2021-05-19. Review status: criteria provided, single submitter. Criteria: Invitae Variant Classification Sherloc (09022015). Collection method: clinical testing. Allele origin: germline. Not counted in ClinVar's aggregate classification.
Comment: This sequence change creates a premature translational stop signal (p.Glu379*) in the CFTR gene. It is expected to result in an absent or disrupted protein product. Loss-of-function variants in CFTR are known to be pathogenic (PMID: 1695717, 7691345, 9725922). This variant is not present in population databases (ExAC no frequency). This variant has been observed in individual(s) with CFTR-related conditions (PMID: 25910067, 31245908). ClinVar contains an entry for this variant (Variation ID: 53200). For these reasons, this variant has been classified as Pathogenic.

Quest Diagnostics Nichols Institute San Juan Capistrano
Classification: Pathogenic. Last evaluated: 2019-08-28. Review status: criteria provided, single submitter. Criteria: Quest Diagnostics criteria. Collection method: clinical testing. Allele origin: unknown. Not counted in ClinVar's aggregate classification.
Comment: The variant creates a premature nonsense codon, and is therefore predicted to result in the loss of a functional protein. Found in at least one patient with expected phenotype for this gene, and not found in general population data.

Counsyl
Classification: Likely pathogenic for Cystic fibrosis. Last evaluated: 2017-01-16. Review status: no assertion criteria provided. Collection method: clinical testing. Allele origin: unknown. Not counted in ClinVar's aggregate classification.

Literature cited by the submitters: PubMed 25910067 (cited by 6 submitters); PubMed 31245908 (cited by 3 submitters); PubMed 31523618 (cited by Ambry Genetics); PubMed 1695717 (cited by Labcorp Genetics (formerly Invitae), Labcorp); PubMed 7691345 (cited by Labcorp Genetics (formerly Invitae), Labcorp); PubMed 9725922 (cited by Labcorp Genetics (formerly Invitae), Labcorp).

NM_000492.4(CFTR):c.1135G>T (p.Glu379Ter)

Gene: CFTR (CF transmembrane conductance regulator; plus strand). Cytogenetic location: 7q31.2.
Variant type: single nucleotide variant.
Coding change: c.1135G>T on transcript NM_000492.4 (MANE Select); coding-DNA position 1135, G replaced by T.
Protein change: p.Glu379Ter; replaces glutamic acid 379 with a stop codon.
Molecular consequence: nonsense.
Genome position (GRCh38, 1-based): chr7:117,542,034, G>T. VCF-style: chr7-117542034-G-T. GRCh37 (hg19) VCF-style: chr7-117182088-G-T.
Other names: p.Glu379X; E379X; short protein forms E379*.
Identifiers: ClinVar variation 53200 (VCV000053200.19), dbSNP rs397508165, ClinGen allele CA326415.